The following is an entry in ClinVar:

NM_015338.6(ASXL1):c.660G>C (p.Gln220His)

Gene: ASXL1 (ASXL transcriptional regulator 1; plus strand). Cytogenetic location: 20q11.21.
Variant type: single nucleotide variant.
Coding change: c.660G>C on transcript NM_015338.6 (MANE Select); coding-DNA position 660, G replaced by C.
Protein change: p.Gln220His; replaces glutamine 220 with histidine.
Molecular consequence: missense variant. On other transcripts: intron variant (1).
Genome position (GRCh38, 1-based): chr20:32,429,995, G>C. VCF-style: chr20-32429995-G-C. GRCh37 (hg19) VCF-style: chr20-31017798-G-C.
Other names: c.535+564G>C (NM_001363734.1); short protein forms Q220H.
Identifiers: ClinVar variation 4864959 (VCV004864959.1).

ClinVar aggregate classification (germline): Uncertain significance (1 of 4 stars; one submission).

Conditions:
Inborn genetic diseases. Identifiers: MedGen C0950123, MeSH D030342.

Submission:

Ambry Genetics
Classification: Uncertain significance for Inborn genetic diseases. Last evaluated: 2026-06-08. Review status: criteria provided, single submitter. Criteria: Ambry Variant Classification Scheme 2023. Collection method: clinical testing. Allele origin: germline.
Comment: The p.Q220H variant (also known as c.660G>C), located in coding exon 8 of the ASXL1 gene, results from a G to C substitution at nucleotide position 660. The glutamine at codon 220 is replaced by histidine, an amino acid with highly similar properties. This amino acid position is conserved. In addition, this alteration is predicted to be tolerated by in silico analysis. Based on the available evidence, the clinical significance of this variant remains unclear.